The following is an entry in ClinVar:

ClinVar aggregate classification (germline): Uncertain significance (1 of 4 stars; one submission).

Submission:

Labcorp Genetics (formerly Invitae), Labcorp
Classification: Uncertain significance. Last evaluated: 2021-12-28. Review status: criteria provided, single submitter. Criteria: Invitae Variant Classification Sherloc (09022015). Collection method: clinical testing. Allele origin: germline.
Comment: This variant has not been reported in the literature in individuals affected with LCA5-related conditions. In summary, the available evidence is currently insufficient to determine the role of this variant in disease. Therefore, it has been classified as a Variant of Uncertain Significance. Experimental studies and prediction algorithms are not available or were not evaluated, and the functional significance of this variant is currently unknown. This variant is not present in population databases (gnomAD no frequency). This variant, c.761_763del, results in the deletion of 1 amino acid(s) of the LCA5 protein (p.Gln254del), but otherwise preserves the integrity of the reading frame.

NM_001122769.3(LCA5):c.761_763del (p.Gln254del)

Gene: LCA5 (lebercilin LCA5; minus strand). Cytogenetic location: 6q14.1.
Variant type: Deletion.
Coding change: c.761_763del on transcript NM_001122769.3 (MANE Select); coding-DNA positions 761 to 763, 3 bases deleted (AAC; older notation c.761_763delAAC).
Protein change: p.Gln254del; deletes glutamine 254.
Molecular consequence: inframe deletion.
Genome position (GRCh38, 1-based): chr6:79,493,708-79,493,710, GTT deleted on the plus strand (AAC on the coding strand, the reverse complement: LCA5 is on the minus strand); deleting any 3 consecutive bases within chr6:79,493,708-79,493,711 gives the same sequence; the c. name uses the placement nearest the transcript's 3' end. VCF-style (leftmost placement, unchanged base first): chr6-79493707-CGTT-C. GRCh37 (hg19) VCF-style: chr6-80203424-CGTT-C.
Other names: c.761_763del, p.Gln254del (NM_181714.4); short protein forms Q254del.
Identifiers: ClinVar variation 1977821 (VCV001977821.3), dbSNP rs2533392088, ClinGen allele CA2580075899.